The following is an entry in ClinVar:

ClinVar aggregate classification (germline): Conflicting classifications of pathogenicity. Review status: criteria provided, conflicting classifications (1 of 4 stars). 8 submissions from 8 submitters: Uncertain significance (6); Likely benign (1). 1 of the submissions does not count toward it. Last evaluated 2025-07-29.

Conditions:
Hereditary cancer-predisposing syndrome. Also called: Tumor predisposition; Neoplastic Syndromes, Hereditary; Hereditary neoplastic syndrome; Hereditary Cancer Syndrome. Identifiers: Orphanet 140162, MedGen C0027672, MeSH D009386, MONDO:0015356.
Lymphangiomyomatosis (LAM). Also called: Lymphangioleiomyomatosis; Lymphangioleiomyomatosis, somatic. Identifiers: Orphanet 538, MedGen C0751674, MONDO:0011705, OMIM 606690.
Tuberous sclerosis syndrome (TSC). Also called: Tuberous Sclerosis Complex; Tuberous sclerosis. Identifiers: Orphanet 805, MedGen C0041341, MONDO:0001734.
Tuberous sclerosis 2 (TSC2). Identifiers: Orphanet 805, MedGen C1860707, MONDO:0013199, OMIM 613254.

Allele frequency attached by ClinVar (database versions not stated): gnomAD exomes below 0.00001; TOPMed below 0.00001.
gnomAD v4.1: 7 of 1,613,272 alleles (0.00043%); highest among the groups gnomAD compares: African/African-American, 0.0013%; no homozygotes.

Submissions (8):

Ambry Genetics
Classification: Uncertain significance for Hereditary cancer-predisposing syndrome. Last evaluated: 2025-07-29. Review status: criteria provided, single submitter. Criteria: Ambry Variant Classification Scheme 2023. Collection method: clinical testing. Allele origin: germline.
Comment: The p.V1500M variant (also known as c.4498G>A), located in coding exon 34 of the TSC2 gene, results from a G to A substitution at nucleotide position 4498. The valine at codon 1500 is replaced by methionine, an amino acid with highly similar properties. In one functional study, this alteration was classified as probably neutral as it did not appear to impact inhibition of TORC1 (Hoogeveen-Westerveld M et al. Hum. Mutat., 2013 Jan;34:167-75). This amino acid position is highly conserved in available vertebrate species. In addition, this alteration is predicted to be deleterious by in silico analysis. Based on the available evidence, the clinical significance of this variant remains unclear.

Labcorp Genetics (formerly Invitae), Labcorp
Classification: Likely benign for Tuberous sclerosis 2. Last evaluated: 2024-09-19. Review status: criteria provided, single submitter. Criteria: Invitae Variant Classification Sherloc (09022015). Collection method: clinical testing. Allele origin: germline.

All of Us Research Program, National Institutes of Health
Classification: Uncertain significance for Tuberous sclerosis syndrome. Last evaluated: 2023-07-19. Review status: criteria provided, single submitter. Criteria: ACMG Guidelines, 2015. Collection method: clinical testing. Allele origin: germline. Inheritance: Autosomal dominant inheritance. Observed: 1 variant allele, 1 heterozygote.
Comment: This missense variant replaces valine with methionine at codon 1500 of the TSC2 protein. Computational prediction suggests that this variant may have deleterious impact on protein structure and function (internally defined REVEL score threshold >= 0.7, PMID: 27666373). Functional studies demonstrated no effect on TSC1 or TSC2 protein abundance, or on TSC1-TSC2 dependent inhibition of TORC1 activity (PMID: 22903760). This variant has not been reported in individuals affected with hereditary cancer in the literature. This variant has been identified in 1/250308 chromosomes in the general population by the Genome Aggregation Database (gnomAD). The available evidence is insufficient to determine the role of this variant in disease conclusively. Therefore, this variant is classified as a Variant of Uncertain Significance.

This study involves interpretation of variants in research participants for the purpose of population health screening. Participant phenotype was not available at the time of variant classification. Additional details can be found in publication PMID: 35346344, PMCID: PMC8962531

Sema4
Classification: Uncertain significance for Hereditary cancer-predisposing syndrome. Last evaluated: 2021-11-26. Review status: criteria provided, single submitter. Criteria: Sema4 Curation Guidelines. Collection method: curation. Allele origin: germline.
Comment: The TSC2 c.4498G>A (p.V1500M) variant has been reported in heterozygosity in at least 1 individual with tuberous sclerosis complex (PMID: 22903760). A TORC1 kinase activity inhibition study demonstrated a normal function of the protein (PMID: 22903760). This variant was observed in 1/112836 chromosomes in the European (non-Finnish) population, according to the Genome Aggregation Database (PMID: 32461654). This variant has been reported in ClinVar (Variation ID: 65229). In silico tools suggest the impact of the variant on protein function is deleterious. The evidence is insufficient to meet ACMG/AMP criteria for classifying the variant as benign or pathogenic. Thus, the clinical significance of this variant is currently uncertain.

Genome-Nilou Lab
Classification: Uncertain significance for Tuberous sclerosis 2. Last evaluated: 2021-11-07. Review status: criteria provided, single submitter. Criteria: ACMG Guidelines, 2015. Collection method: clinical testing. Allele origin: germline. Affected: no.

Blueprint Genetics
Classification: Uncertain significance. Last evaluated: 2021-05-26. Review status: criteria provided, single submitter. Criteria: ACMG Guidelines, 2015. Collection method: clinical testing. Allele origin: germline.

Athena Diagnostics
Classification: Uncertain significance. Last evaluated: 2017-02-16. Review status: criteria provided, single submitter. Criteria: Athena Diagnostics Criteria. Collection method: clinical testing. Allele origin: germline.

Tuberous sclerosis database (TSC2)
No classification provided. Condition: TSC; LAM. Review status: no classification provided. Criteria: Tuberous Sclerosis Database Assertion Criteria 2015. Collection method: curation. Allele origin: germline. Affected: yes. Not counted in ClinVar's aggregate classification.

Literature cited by the submitters: PubMed 22903760 (cited by 4 submitters); PubMed 21252315 (cited by Athena Diagnostics).

NM_000548.5(TSC2):c.4498G>A (p.Val1500Met)

Gene: TSC2 (TSC complex subunit 2; plus strand). Cytogenetic location: 16p13.3.
Variant type: single nucleotide variant.
Coding change: c.4498G>A on transcript NM_000548.5 (MANE Select); coding-DNA position 4498, G replaced by A.
Protein change: p.Val1500Met; replaces valine 1500 with methionine.
Molecular consequence: missense variant.
Genome position (GRCh38, 1-based): chr16:2,084,955, G>A. VCF-style: chr16-2084955-G-A. GRCh37 (hg19) VCF-style: chr16-2134956-G-A.
Other names: c.4297G>A, p.Val1433Met (NM_001077183.3); c.4429G>A, p.Val1477Met (NM_001114382.3); c.4189G>A, p.Val1397Met (NM_001318827.2); c.4153G>A, p.Val1385Met (NM_001318829.2); c.3766G>A, p.Val1256Met (NM_001318831.2); c.4330G>A, p.Val1444Met (NM_001318832.2); c.4300G>A, p.Val1434Met (NM_001363528.2); c.4366G>A, p.Val1456Met (NM_001370404.1); and 1 more; short protein forms V1500M, V1456M, V1256M, V1385M, V1397M, V1433M, V1444M, V1457M.
Identifiers: ClinVar variation 65229 (VCV000065229.21), dbSNP rs397515167, ClinGen allele CA020558.
Genomic context (GRCh38, chr16:2,084,955, plus strand): 5'-TGTGGCTGCCCTGGCCAGGCCCTCACCTGGGTGCCCACCATCCCCTCCCTGTGCAGTTTC[G>A]TGTTCCTGCAGCTCTACCATTCCCCCTTCTTTGGCGACGAGTCAAACAAGCCAATCCTGC-3'
Protein context (NP_000539.2, residues 1490-1510): EKVPGINPSF[Val1500Met]FLQLYHSPFF